The following is an entry in ClinVar:

ClinVar aggregate classification (germline): Uncertain significance (1 of 4 stars; one submission).

Conditions:
Bloom syndrome (BLM). Also called: Bloom-Torre-Machacek syndrome. Identifiers: Orphanet 125, MedGen C0005859, MONDO:0008876, OMIM 210900.

Allele frequency attached by ClinVar (database versions not stated): gnomAD exomes below 0.00001; gnomAD 0.00001.
gnomAD v4.1: 4 of 1,540,394 alleles (0.00026%); highest among the groups gnomAD compares: Non-Finnish European, 0.000087%; no homozygotes.

Submission:

Labcorp Genetics (formerly Invitae), Labcorp
Classification: Uncertain significance for Bloom syndrome. Last evaluated: 2023-05-30. Review status: criteria provided, single submitter. Criteria: Invitae Variant Classification Sherloc (09022015). Collection method: clinical testing. Allele origin: germline.
Comment: This variant is not present in population databases (gnomAD no frequency). This sequence change replaces alanine, which is neutral and non-polar, with valine, which is neutral and non-polar, at codon 583 of the BLM protein (p.Ala583Val). This variant has not been reported in the literature in individuals affected with BLM-related conditions. In summary, the available evidence is currently insufficient to determine the role of this variant in disease. Therefore, it has been classified as a Variant of Uncertain Significance. Advanced modeling of protein sequence and biophysical properties (such as structural, functional, and spatial information, amino acid conservation, physicochemical variation, residue mobility, and thermodynamic stability) performed at Invitae indicates that this missense variant is not expected to disrupt BLM protein function. ClinVar contains an entry for this variant (Variation ID: 2180070).

NM_000057.4(BLM):c.1748C>T (p.Ala583Val)

Gene: BLM (BLM RecQ like helicase; plus strand). Cytogenetic location: 15q26.1.
Variant type: single nucleotide variant.
Coding change: c.1748C>T on transcript NM_000057.4 (MANE Select); coding-DNA position 1748, C replaced by T.
Protein change: p.Ala583Val; replaces alanine 583 with valine.
Molecular consequence: missense variant.
Genome position (GRCh38, 1-based): chr15:90,761,121, C>T. VCF-style: chr15-90761121-C-T. GRCh37 (hg19) VCF-style: chr15-91304351-C-T.
Other names: c.1748C>T, p.Ala583Val (NM_001287246.2, NM_001287247.2); c.623C>T, p.Ala208Val (NM_001287248.2); short protein forms A583V, A208V.
Identifiers: ClinVar variation 2180070 (VCV002180070.4), dbSNP rs1895974694, ClinGen allele CA393843760.